The following is an entry in ClinVar:

NM_017864.4(INTS8):c.2031A>G (p.Thr677=)

Gene: INTS8 (integrator complex subunit 8; plus strand). Cytogenetic location: 8q22.1.
Variant type: single nucleotide variant.
Coding change: c.2031A>G on transcript NM_017864.4 (MANE Select); coding-DNA position 2031, A replaced by G.
Protein change: p.Thr677=; no amino-acid change (threonine 677 retained).
Molecular consequence: synonymous variant. On other transcripts: non-coding transcript variant (2).
Genome position (GRCh38, 1-based): chr8:94,859,587, A>G. VCF-style: chr8-94859587-A-G. GRCh37 (hg19) VCF-style: chr8-95871815-A-G.
Other names: c.2031A>G (NM_017864.3).
Identifiers: ClinVar variation 1285220 (VCV001285220.4), dbSNP rs138818665, ClinGen allele CA4813731.

ClinVar aggregate classification (germline): Likely benign. Review status: no assertion criteria provided (0 of 4 stars). 3 submissions from 3 submitters: Likely benign (3). Last evaluated 2019-12-09.

Conditions:
INTS8-related disorder. Also called: INTS8-related condition.

Allele frequency attached by ClinVar (database versions not stated): 1000 Genomes Project 30x 0.00047; 1000 Genomes Project 0.00060; ESP Exome Variant Server 0.00131; gnomAD 0.00137 and 0.00156; ExAC 0.00161; gnomAD exomes 0.00164.
gnomAD v4.1: 3,400 of 1,611,664 alleles (0.21%); highest among the groups gnomAD compares: Non-Finnish European, 0.25%; 6 homozygotes.

Submissions (3):

PreventionGenetics, part of Exact Sciences
Classification: Likely benign for INTS8-related condition. Last evaluated: 2019-12-09. Review status: no assertion criteria provided. Collection method: clinical testing. Allele origin: germline.
Comment: This variant is classified as likely benign based on ACMG/AMP sequence variant interpretation guidelines (Richards et al. 2015 PMID: 25741868, with internal and published modifications).

Clinical Genetics DNA and cytogenetics Diagnostics Lab, Erasmus MC, Erasmus Medical Center
Classification: Likely benign. Review status: no assertion criteria provided. Collection method: clinical testing. Allele origin: germline. Affected: yes. Study: VKGL Data-share Consensus.

Genome Diagnostics Laboratory, University Medical Center Utrecht
Classification: Likely benign. Review status: no assertion criteria provided. Collection method: clinical testing. Allele origin: germline. Affected: yes. Study: VKGL Data-share Consensus.